The following is an entry in ClinVar:

ClinVar aggregate classification (germline): Likely benign (0 of 4 stars; one submission).

Conditions:
HK2-related disorder. Also called: HK2-related condition.

Allele frequency attached by ClinVar (database versions not stated): TOPMed 0.00007; 1000 Genomes Project 0.00020; gnomAD exomes 0.00005; gnomAD 0.00007; ExAC 0.00008; 1000 Genomes Project 30x 0.00016.
gnomAD v4.1: 42 of 1,614,150 alleles (0.0026%); highest among the groups gnomAD compares: Admixed American, 0.052%; no homozygotes.

Submission:

PreventionGenetics, part of Exact Sciences
Classification: Likely benign for HK2-related condition. Last evaluated: 2019-04-09. Review status: no assertion criteria provided. Collection method: clinical testing. Allele origin: germline.
Comment: This variant is classified as likely benign based on ACMG/AMP sequence variant interpretation guidelines (Richards et al. 2015 PMID: 25741868, with internal and published modifications).

NM_000189.5(HK2):c.339C>T (p.Ala113=)

Gene: HK2 (hexokinase 2; plus strand). Cytogenetic location: 2p12.
Variant type: single nucleotide variant.
Coding change: c.339C>T on transcript NM_000189.5 (MANE Select); coding-DNA position 339, C replaced by T.
Protein change: p.Ala113=; no amino-acid change (alanine 113 retained).
Molecular consequence: synonymous variant.
Genome position (GRCh38, 1-based): chr2:74,867,748, C>T. VCF-style: chr2-74867748-C-T. GRCh37 (hg19) VCF-style: chr2-75094875-C-T.
Other names: c.255C>T, p.Ala85= (NM_001371525.2).
Identifiers: ClinVar variation 3058153 (VCV003058153.2), dbSNP rs192335098, ClinGen allele CA1731057.